The following is an entry in ClinVar:

NM_002471.4(MYH6):c.3979-11_3979-10delinsAA

Gene: MYH6 (myosin heavy chain 6; minus strand). Cytogenetic location: 14q11.2.
Variant type: Indel.
Coding change: c.3979-11_3979-10delinsAA on transcript NM_002471.4 (MANE Select); 11 bases into the intron before coding-DNA position 3979 through 10 bases into the intron before coding-DNA position 3979, CC replaced by AA.
Molecular consequence: intron variant.
Genome position (GRCh38, 1-based): chr14:23,389,065-23,389,066, GG replaced by TT on the plus strand (CC replaced by AA on the coding strand, the reverse complement: MYH6 is on the minus strand). VCF-style: chr14-23389065-GG-TT. GRCh37 (hg19) VCF-style: chr14-23858274-GG-TT.
Identifiers: ClinVar variation 2764132 (VCV002764132.3), dbSNP rs2502154178, ClinGen allele CA2697553840.
Genomic context (GRCh38, chr14:23,389,065, plus strand): 5'-GTCGCAGTCATGCCGGGCCGACTGCAGTGCATGGGCCAGGGCGTTCTTCGCCTGGGGAGG[GG>TT]GGGGGGCACCAGGAGGTGGGAGGGACTCCCTGTGCCCCATTCTCTAGATTCTCTTCTTAT-3'

ClinVar aggregate classification (germline): Uncertain significance (1 of 4 stars; one submission).

Conditions:
Hypertrophic cardiomyopathy 14. Identifiers: MedGen C2750467, MONDO:0013197, OMIM 613251.

Submission:

Labcorp Genetics (formerly Invitae), Labcorp
Classification: Uncertain significance for Hypertrophic cardiomyopathy 14. Last evaluated: 2024-10-16. Review status: criteria provided, single submitter. Criteria: Invitae Variant Classification Sherloc (09022015). Collection method: clinical testing. Allele origin: germline.
Comment: This sequence change falls in intron 28 of the MYH6 gene. It does not directly change the encoded amino acid sequence of the MYH6 protein. Information on the frequency of this variant in the gnomAD database is not available, as this variant may be reported differently in the database. This variant has not been reported in the literature in individuals affected with MYH6-related conditions. Experimental studies and prediction algorithms are not available or were not evaluated, and the effect of this variant on mRNA splicing is currently unknown. In summary, the available evidence is currently insufficient to determine the role of this variant in disease. Therefore, it has been classified as a Variant of Uncertain Significance.